The following is an entry in ClinVar:

NM_000170.3(GLDC):c.1642C>G (p.Leu548Val)

Gene: GLDC (glycine decarboxylase; minus strand). Cytogenetic location: 9p24.1.
Variant type: single nucleotide variant.
Coding change: c.1642C>G on transcript NM_000170.3 (MANE Select); coding-DNA position 1642, C replaced by G.
Protein change: p.Leu548Val; replaces leucine 548 with valine.
Molecular consequence: missense variant.
Genome position (GRCh38, 1-based): chr9:6,588,641, G>C on the plus strand (C>G on the coding strand, the complement: GLDC is on the minus strand). VCF-style: chr9-6588641-G-C. GRCh37 (hg19) VCF-style: chr9-6588641-G-C.
Other names: short protein forms L548V.
Identifiers: ClinVar variation 551376 (VCV000551376.3), dbSNP rs1554646653, ClinGen allele CA372892578.

ClinVar aggregate classification (germline): Likely pathogenic. Review status: criteria provided, single submitter (1 of 4 stars). 2 submissions from 2 submitters: Likely pathogenic (1). 1 of the submissions does not count toward it. Last evaluated 2025-09-04.

Conditions:
Glycine encephalopathy. Also called: Non-ketotic hyperglycinemia; Nonketotic hyperglycinemia. Identifiers: Orphanet 407, MedGen C0751748, MONDO:0011612, HP:0008288.
Glycine encephalopathy 1 (GCE1). Identifiers: MedGen CN376801, MONDO:0958179, OMIM 605899.

Submissions (2):

Women's Health and Genetics/Laboratory Corporation of America, LabCorp
Classification: Likely pathogenic for Glycine encephalopathy. Last evaluated: 2025-09-04. Review status: criteria provided, single submitter. Criteria: LabCorp Variant Classification Summary - May 2015. Collection method: clinical testing. Allele origin: germline.
Comment: Variant summary: GLDC c.1642C>G (p.Leu548Val) results in a conservative amino acid change in the encoded protein sequence. Algorithms developed to predict the effect of missense changes on protein structure and function are either unavailable or do not agree on the potential impact of this missense change. The variant was absent in 250906 control chromosomes (gnomAD). c.1642C>G has been observed in individuals affected with Glycine Encephalopathy (Non-Ketotic Hyperglycinemia)(e.g., Swanson_2015, Coughlin_2017). These data indicate that the variant is likely to be associated with disease. At least one publication reports experimental evidence evaluating an impact on protein function. The most pronounced variant effect results in 10%-<30% of normal activity (Swanson_2015). The following publications have been ascertained in the context of this evaluation (PMID: 26179960, 27362913, 38589924). ClinVar contains an entry for this variant (Variation ID: 551376). Based on the evidence outlined above, the variant was classified as likely pathogenic.

Counsyl
Classification: Likely pathogenic for Glycine encephalopathy 1. Last evaluated: 2017-04-05. Review status: no assertion criteria provided. Collection method: clinical testing. Allele origin: unknown. Not counted in ClinVar's aggregate classification.

Literature cited by the submitters: PubMed 26179960 (cited by Women's Health and Genetics/Laboratory Corporation of America, LabCorp and Counsyl); PubMed 27362913 (cited by Women's Health and Genetics/Laboratory Corporation of America, LabCorp and Counsyl); PubMed 38589924 (cited by Women's Health and Genetics/Laboratory Corporation of America, LabCorp).